The following is an entry in ClinVar:

ClinVar aggregate classification (germline): Pathogenic/Likely pathogenic. Review status: criteria provided, multiple submitters, no conflicts (2 of 4 stars). 3 submissions from 3 submitters: Pathogenic (2); Likely pathogenic (1). Last evaluated 2024-12-02.

Conditions:
IMPG2-related disorders.

Submissions (3):

Labcorp Genetics (formerly Invitae), Labcorp
Classification: Pathogenic. Last evaluated: 2024-12-02. Review status: criteria provided, single submitter. Criteria: Invitae Variant Classification Sherloc (09022015). Collection method: clinical testing. Allele origin: germline.
Comment: This sequence change creates a premature translational stop signal (p.Gln607Alafs*12) in the IMPG2 gene. It is expected to result in an absent or disrupted protein product. Loss-of-function variants in IMPG2 are known to be pathogenic (PMID: 20673862). This variant is not present in population databases (gnomAD no frequency). This variant has not been reported in the literature in individuals affected with IMPG2-related conditions. ClinVar contains an entry for this variant (Variation ID: 283184). For these reasons, this variant has been classified as Pathogenic.

Blueprint Genetics
Classification: Likely pathogenic for IMPG2-related disorders. Last evaluated: 2022-03-05. Review status: criteria provided, single submitter. Criteria: ACMG Guidelines, 2015. Collection method: clinical testing. Allele origin: germline. Affected: yes. Observed: 2 variant alleles.

Eurofins Ntd Llc (ga)
Classification: Pathogenic. Last evaluated: 2015-09-23. Review status: criteria provided, single submitter. Criteria: EGL Classification Definitions. Collection method: clinical testing. Allele origin: germline. Observed: 1 variant allele, 1 heterozygote.

Literature cited by the submitters: PubMed 20673862 (cited by Labcorp Genetics (formerly Invitae), Labcorp).

NM_016247.4(IMPG2):c.1818dup (p.Gln607fs)

Gene: IMPG2 (interphotoreceptor matrix proteoglycan 2; minus strand). Cytogenetic location: 3q12.3.
Variant type: Duplication.
Coding change: c.1818dup on transcript NM_016247.4 (MANE Select); coding-DNA position 1818, one base duplicated (G; older notation c.1818dupG).
Protein change: p.Gln607fs; shifts the reading frame from glutamine 607.
Molecular consequence: frameshift variant.
Genome position (GRCh38, 1-based): chr3:101,244,513, C duplicated on the plus strand (G on the coding strand, the reverse complement: IMPG2 is on the minus strand); the first of 3 consecutive C bases (chr3:101,244,513-101,244,515); duplicating any one gives the same sequence. VCF-style (leftmost placement, unchanged base first): chr3-101244512-G-GC. GRCh37 (hg19) VCF-style: chr3-100963356-G-GC.
Other names: short protein forms Q607fs.
Identifiers: ClinVar variation 283184 (VCV000283184.16), dbSNP rs1553681434, ClinGen allele CA10604419.
Genomic context (GRCh38, chr3:101,244,512, plus strand): 5'-GTTCAGCGCTCTTCTCTGATGAAGTCTCACTCCATGGCCAAGTAATCAGATCTACCTTTT[G>GC]CCCAGACCCTGAACCTAAACCACCGTCAAATATTAACTCTTTTTCCATGGATGCATCTGG-3'